The following continues an entry in ClinVar:

NM_001267550.2(TTN):c.53192T>C (p.Ile17731Thr)

ClinVar aggregate classification (germline): Benign/Likely benign. Benign (17); Likely benign (5).

Submissions 18 to 29 of 29:

GeneDx
Classification: Benign. Last evaluated: 2014-02-12. Review status: criteria provided, single submitter. Criteria: GeneDx Variant Classification (06012015). Collection method: clinical testing. Allele origin: germline. Affected: yes.
Comment: This variant is considered likely benign or benign based on one or more of the following criteria: it is a conservative change, it occurs at a poorly conserved position in the protein, it is predicted to be benign by multiple in silico algorithms, and/or has population frequency not consistent with disease.

Biesecker Lab/Clinical Genomics Section, National Institutes of Health
Classification: Benign. Last evaluated: 2013-06-24. Review status: criteria provided, single submitter. Criteria: Ng et al. (Circ Cardiovasc Genet. 2013). Collection method: research. Allele origin: unknown. Observed: 21 variant alleles. Study: ClinSeq.
Comment: The study set was not selected for affection status in relation to any cancer. Pathogenicity categories were based on literature curation. See Pubmed ID:23861362 for details.

Medical sequencing

Ambry Genetics
Classification: Benign for Cardiovascular phenotype. Last evaluated: 2013-03-18. Review status: criteria provided, single submitter. Criteria: Ambry Autosomal Dominant and X-Linked criteria (10/2015). Collection method: clinical testing. Allele origin: germline. Observed: 1 variant allele.

Laboratory for Molecular Medicine, Mass General Brigham Personalized Medicine
Classification: Benign. Last evaluated: 2012-01-25. Review status: criteria provided, single submitter. Criteria: LMM Criteria. Collection method: clinical testing. Allele origin: germline. Observed: 40 variant alleles.

Breakthrough Genomics
Classification: Likely benign. Review status: criteria provided, single submitter. Criteria: ACMG Guidelines, 2015. Collection method: not provided. Allele origin: germline. Inheritance: Autosomal recessive inheritance. Affected: yes.

Clinical Genetics DNA and cytogenetics Diagnostics Lab, Erasmus MC, Erasmus Medical Center
Classification: Benign. Review status: no assertion criteria provided. Collection method: clinical testing. Allele origin: germline. Affected: yes. Study: VKGL Data-share Consensus. Not counted in ClinVar's aggregate classification.

Clinical Genetics, Academic Medical Center
Classification: Benign. Review status: no assertion criteria provided. Collection method: clinical testing. Allele origin: germline. Affected: yes. Study: VKGL Data-share Consensus. Not counted in ClinVar's aggregate classification.

Diagnostic Laboratory, Department of Genetics, University Medical Center Groningen
Classification: Likely benign. Review status: no assertion criteria provided. Collection method: clinical testing. Allele origin: germline. Affected: yes. Study: VKGL Data-share Consensus. Not counted in ClinVar's aggregate classification.

Genetic Services Laboratory, University of Chicago
Classification: Likely benign for AllHighlyPenetrant. Review status: no assertion criteria provided. Collection method: clinical testing. Allele origin: germline. Not counted in ClinVar's aggregate classification.
Comment: Likely benign based on allele frequency in 1000 Genomes Project or ESP global frequency and its presence in a patient with a rare or unrelated disease phenotype. NOT Sanger confirmed.

Genome Diagnostics Laboratory, University Medical Center Utrecht
Classification: Benign. Review status: no assertion criteria provided. Collection method: clinical testing. Allele origin: germline. Affected: yes. Study: VKGL Data-share Consensus. Not counted in ClinVar's aggregate classification.

Joint Genome Diagnostic Labs from Nijmegen and Maastricht, Radboudumc and MUMC+
Classification: Benign. Review status: no assertion criteria provided. Collection method: clinical testing. Allele origin: germline. Affected: yes. Study: VKGL Data-share Consensus. Not counted in ClinVar's aggregate classification.

Laboratory of Diagnostic Genome Analysis, Leiden University Medical Center (LUMC)
Classification: Likely benign. Review status: no assertion criteria provided. Collection method: clinical testing. Allele origin: germline. Affected: yes. Study: VKGL Data-share Consensus. Not counted in ClinVar's aggregate classification.

Literature cited by the submitters: PubMed 29420653 (cited by Athena Diagnostics); PubMed 28704380 (cited by Athena Diagnostics).